The following is an entry in ClinVar:

ClinVar aggregate classification (germline): Uncertain significance (1 of 4 stars; one submission).

Allele frequency attached by ClinVar (database versions not stated): gnomAD 0.00001; 1000 Genomes Project 30x 0.00016; 1000 Genomes Project 0.00020.
gnomAD v4.1: 3 of 1,613,858 alleles (0.00019%); highest among the groups gnomAD compares: South Asian, 0.0011%; no homozygotes.

Submission:

Labcorp Genetics (formerly Invitae), Labcorp
Classification: Uncertain significance. Last evaluated: 2025-07-13. Review status: criteria provided, single submitter. Criteria: Invitae Variant Classification Sherloc (09022015). Collection method: clinical testing. Allele origin: germline.
Comment: This sequence change replaces glutamic acid, which is acidic and polar, with lysine, which is basic and polar, at codon 514 of the DEAF1 protein (p.Glu514Lys). This variant is not present in population databases (gnomAD no frequency). This variant has not been reported in the literature in individuals affected with DEAF1-related conditions. ClinVar contains an entry for this variant (Variation ID: 1387191). Invitae Evidence Modeling of protein sequence and biophysical properties (such as structural, functional, and spatial information, amino acid conservation, physicochemical variation, residue mobility, and thermodynamic stability) indicates that this missense variant is expected to disrupt DEAF1 protein function with a positive predictive value of 95%. In summary, the available evidence is currently insufficient to determine the role of this variant in disease. Therefore, it has been classified as a Variant of Uncertain Significance.

NM_021008.4(DEAF1):c.1540G>A (p.Glu514Lys)

Gene: DEAF1 (DEAF1 transcription factor; minus strand). Cytogenetic location: 11p15.5.
Variant type: single nucleotide variant.
Coding change: c.1540G>A on transcript NM_021008.4 (MANE Select); coding-DNA position 1540, G replaced by A.
Protein change: p.Glu514Lys; replaces glutamic acid 514 with lysine.
Molecular consequence: missense variant.
Genome position (GRCh38, 1-based): chr11:654,015, C>T on the plus strand (G>A on the coding strand, the complement: DEAF1 is on the minus strand). VCF-style: chr11-654015-C-T. GRCh37 (hg19) VCF-style: chr11-654015-C-T.
Other names: c.1315G>A, p.Glu439Lys (NM_001293634.2); c.814G>A, p.Glu272Lys (NM_001367390.1); short protein forms E439K, E272K, E514K.
Identifiers: ClinVar variation 1387191 (VCV001387191.6), dbSNP rs568091526, ClinGen allele CA216945806.